The following is an entry in ClinVar:

ClinVar aggregate classification (germline): Uncertain significance (1 of 4 stars; one submission).

Conditions:
Brugada syndrome. Also called: Sudden Unexplained Death Syndrome; Sudden Unexplained Nocturnal Death Syndrome (SUNDS); Sudden unexpected nocturnal death syndrome; Sudden unexplained nocturnal death syndrome. Identifiers: Orphanet 130, MedGen C1142166, MONDO:0015263.

Allele frequency attached by ClinVar (database versions not stated): TOPMed 0.00004.
gnomAD v4.1: 34 of 1,613,268 alleles (0.0021%); highest among the groups gnomAD compares: East Asian, 0.0045%; no homozygotes.

Submission:

Labcorp Genetics (formerly Invitae), Labcorp
Classification: Uncertain significance for Brugada syndrome. Last evaluated: 2025-10-28. Review status: criteria provided, single submitter. Criteria: Invitae Variant Classification Sherloc (09022015). Collection method: clinical testing. Allele origin: germline.
Comment: This sequence change replaces arginine, which is basic and polar, with glutamine, which is neutral and polar, at codon 546 of the SLMAP protein (p.Arg546Gln). This variant is present in population databases (rs138744399, gnomAD 0.0009%). This variant has not been reported in the literature in individuals affected with SLMAP-related conditions. ClinVar contains an entry for this variant (Variation ID: 968483). An algorithm developed to predict the effect of missense changes on protein structure and function outputs the following: PolyPhen-2: "Benign". The glutamine amino acid residue is found in multiple mammalian species, which suggests that this missense change does not adversely affect protein function. In summary, the available evidence is currently insufficient to determine the role of this variant in disease. Therefore, it has been classified as a Variant of Uncertain Significance.

NM_001377540.1(SLMAP):c.1739G>A (p.Arg580Gln)

Gene: SLMAP (sarcolemma associated protein; plus strand). Cytogenetic location: 3p14.3.
Variant type: single nucleotide variant.
Coding change: c.1739G>A on transcript NM_001377540.1 (MANE Select); coding-DNA position 1739, G replaced by A.
Protein change: p.Arg580Gln; replaces arginine 580 with glutamine.
Molecular consequence: missense variant. On other transcripts: non-coding transcript variant (1).
Genome position (GRCh38, 1-based): chr3:57,912,420, G>A. VCF-style: chr3-57912420-G-A. GRCh37 (hg19) VCF-style: chr3-57898147-G-A.
Other names: c.1688G>A, p.Arg563Gln (NM_001304420.3, NM_001377541.1, NM_001377542.1); c.1574G>A, p.Arg525Gln (NM_001304421.2, NM_001377557.1, NM_001377559.1); c.290G>A, p.Arg97Gln (NM_001304422.3, NM_001311178.2); c.92G>A, p.Arg31Gln (NM_001304423.3); c.167G>A, p.Arg56Gln (NM_001311179.2, NM_001377926.1, NM_001377927.1 and 1 more transcripts); c.1760G>A, p.Arg587Gln (NM_001377538.1); c.1739G>A, p.Arg580Gln (NM_001377539.1); c.1676G>A, p.Arg559Gln (NM_001377545.1); and 8 more; short protein forms R484Q, R522Q, R525Q, R542Q, R546Q, R563Q, R587Q, R97Q.
Identifiers: ClinVar variation 968483 (VCV000968483.6), dbSNP rs138744399, ClinGen allele CA2467234.